The following is an entry in ClinVar:

NM_001605.3(AARS1):c.2177+5G>A

Gene: AARS1 (alanyl-tRNA synthetase 1; minus strand). Cytogenetic location: 16q22.1.
Variant type: single nucleotide variant.
Coding change: c.2177+5G>A on transcript NM_001605.3 (MANE Select); 5 bases into the intron after coding-DNA position 2177, G replaced by A.
Molecular consequence: intron variant.
Genome position (GRCh38, 1-based): chr16:70,258,028, C>T on the plus strand (G>A on the coding strand, the complement: AARS1 is on the minus strand). VCF-style: chr16-70258028-C-T. GRCh37 (hg19) VCF-style: chr16-70291931-C-T.
Other names: c.2177+5G>A (NM_001605.2).
Identifiers: ClinVar variation 1679497 (VCV001679497.13), dbSNP rs2152153454, ClinGen allele CA2547561010.

ClinVar aggregate classification (germline): Uncertain significance. Review status: criteria provided, multiple submitters, no conflicts (2 of 4 stars). 3 submissions from 3 submitters: Uncertain significance (3). Last evaluated 2024-02-24.

Conditions:
Charcot-Marie-Tooth disease type 2. Also called: Charcot-Marie-Tooth type 2. Identifiers: Orphanet 64746, MedGen C0270914, MONDO:0018993.
AARS1-related disorder. Also called: AARS1-related condition.

gnomAD v4.1: 2 of 1,614,138 alleles (0.00012%); highest among the groups gnomAD compares: Non-Finnish European, 0.00017%; no homozygotes.

Submissions (3):

Labcorp Genetics (formerly Invitae), Labcorp
Classification: Uncertain significance for Charcot-Marie-Tooth disease type 2. Last evaluated: 2024-02-24. Review status: criteria provided, single submitter. Criteria: Invitae Variant Classification Sherloc (09022015). Collection method: clinical testing. Allele origin: germline.
Comment: This sequence change falls in intron 15 of the AARS gene. It does not directly change the encoded amino acid sequence of the AARS protein. It affects a nucleotide within the consensus splice site. This variant is not present in population databases (gnomAD no frequency). This variant has not been reported in the literature in individuals affected with AARS-related conditions. ClinVar contains an entry for this variant (Variation ID: 1679497). Variants that disrupt the consensus splice site are a relatively common cause of aberrant splicing (PMID: 17576681, 9536098). Algorithms developed to predict the effect of sequence changes on RNA splicing suggest that this variant may disrupt the consensus splice site. In summary, the available evidence is currently insufficient to determine the role of this variant in disease. Therefore, it has been classified as a Variant of Uncertain Significance.

PreventionGenetics, part of Exact Sciences
Classification: Uncertain significance for AARS1-related condition. Last evaluated: 2023-04-20. Review status: criteria provided, single submitter. Criteria: ACMG Guidelines, 2015. Collection method: clinical testing. Allele origin: germline.
Comment: The AARS1 c.2177+5G>A variant is predicted to interfere with splicing. Specifically, this variant is predicted to strongly reduce the strength of the nearby splice donor site (Alamut Visual Plus v1.6.1). To our knowledge, this variant has not been reported in the literature or in a large population database, indicating this variant is rare. At this time, the clinical significance of this variant is uncertain due to the absence of conclusive functional and genetic evidence.

ARUP Laboratories, Molecular Genetics and Genomics, ARUP Laboratories
Classification: Uncertain significance. Last evaluated: 2022-02-07. Review status: criteria provided, single submitter. Criteria: ARUP Molecular Germline Variant Investigation Process 2021. Collection method: clinical testing. Allele origin: germline.
Comment: The AARS1 c.2177+5G>A variant, to our knowledge, is not reported in the medical literature or gene specific databases. This variant is also absent from the Genome Aggregation Database, indicating it is not a common polymorphism. This is an intronic variant in a highly conserved nucleotide, and computational analyses (Alamut v.2.11) predict that this variant may impact splicing by disrupting the nearby canonical donor splice site. However, loss of function is not an established mechanism of disease for this gene, and without functional studies the effect on splicing is unknown. Due to limited information, the clinical significance of this variant is uncertain at this time.

Literature cited by the submitters: PubMed 17576681 (cited by Labcorp Genetics (formerly Invitae), Labcorp); PubMed 9536098 (cited by Labcorp Genetics (formerly Invitae), Labcorp).